The following is an entry in ClinVar:

NM_001626.6(AKT2):c.1111C>T (p.Arg371Cys)

Gene: AKT2 (AKT serine/threonine kinase 2; minus strand). Cytogenetic location: 19q13.2.
Variant type: single nucleotide variant.
Coding change: c.1111C>T on transcript NM_001626.6 (MANE Select); coding-DNA position 1111, C replaced by T.
Protein change: p.Arg371Cys; replaces arginine 371 with cysteine.
Molecular consequence: missense variant.
Genome position (GRCh38, 1-based): chr19:40,235,954, G>A on the plus strand (C>T on the coding strand, the complement: AKT2 is on the minus strand). VCF-style: chr19-40235954-G-A. GRCh37 (hg19) VCF-style: chr19-40741861-G-A.
Other names: c.925C>T, p.Arg309Cys (NM_001243027.3, NM_001243028.3); c.982C>T, p.Arg328Cys (NM_001330511.1); short protein forms R309C, R328C, R371C.
Identifiers: ClinVar variation 4790747 (VCV004790747.1).

ClinVar aggregate classification (germline): Uncertain significance (1 of 4 stars; one submission).

Conditions:
Hypoinsulinemic hypoglycemia and body hemihypertrophy. Also called: Hypoinsulinemic hypoglycemia and hemihypertrophy. Identifiers: Orphanet 293964, MedGen C3278384, MONDO:0009416, OMIM 240900.
Type 2 diabetes mellitus. Also called: Type II diabetes mellitus. Identifiers: MedGen C0011860, MeSH D003924, MONDO:0005148, OMIM 125853, HP:0005978.

Submission:

Labcorp Genetics (formerly Invitae), Labcorp
Classification: Uncertain significance for Hypoinsulinemic hypoglycemia and body hemihypertrophy; Type 2 diabetes mellitus. Last evaluated: 2025-06-27. Review status: criteria provided, single submitter. Criteria: Invitae Variant Classification Sherloc (09022015). Collection method: clinical testing. Allele origin: germline.
Comment: This sequence change replaces arginine, which is basic and polar, with cysteine, which is neutral and slightly polar, at codon 371 of the AKT2 protein (p.Arg371Cys). This variant is present in population databases (rs745550650, gnomAD 0.006%). This variant has not been reported in the literature in individuals affected with AKT2-related conditions. An algorithm developed to predict the effect of missense changes on protein structure and function (PolyPhen-2) suggests that this variant is likely to be disruptive. In summary, the available evidence is currently insufficient to determine the role of this variant in disease. Therefore, it has been classified as a Variant of Uncertain Significance.